The following is an entry in ClinVar:

ClinVar aggregate classification (germline): Likely pathogenic. Review status: criteria provided, multiple submitters, no conflicts (2 of 4 stars). 4 submissions from 4 submitters: Likely pathogenic (2). 2 of the submissions do not count toward it. Last evaluated 2025-10-01.

Conditions:
Tyrosinemia type I (TYRSN1). Also called: Tyrosinemia type 1; Fumarylacetoacetase deficiency; Deficiency of fumarylacetoacetase; FAH DEFICIENCY; HEPATORENAL TYROSINEMIA. Identifiers: Orphanet 882, MedGen C0268490, MONDO:0010161, OMIM 276700. Disease mechanism: loss of function.

Submissions (4):

Labcorp Genetics (formerly Invitae), Labcorp
Classification: Likely pathogenic for Tyrosinemia type I. Last evaluated: 2025-10-01. Review status: criteria provided, single submitter. Criteria: Invitae Variant Classification Sherloc (09022015). Collection method: clinical testing. Allele origin: germline.
Comment: This sequence change affects a splice site in intron 6 of the FAH gene. It is expected to disrupt RNA splicing. Variants that disrupt the donor or acceptor splice site typically lead to a loss of protein function (PMID: 16199547), and loss-of-function variants in FAH are known to be pathogenic (PMID: 9101289, 9633815). This variant is not present in population databases (gnomAD no frequency). Disruption of this splice site has been observed in individual(s) with Tyrosinemia type I (PMID: 32778825; internal data). ClinVar contains an entry for this variant (Variation ID: 552185). Algorithms developed to predict the effect of sequence changes on RNA splicing suggest that this variant may disrupt the consensus splice site. In summary, the currently available evidence indicates that the variant is pathogenic, but additional data are needed to prove that conclusively. Therefore, this variant has been classified as Likely Pathogenic.

Natera, Inc.
Classification: Likely pathogenic for Tyrosinemia type I. Last evaluated: 2025-09-07. Review status: criteria provided, single submitter. Criteria: Natera Variant Classification Schema (03/2026). Collection method: clinical testing. Allele origin: germline.
Comment: The c.553+2_553+3delTG variant in FAH is a canonical splice donor site variant predicted to affect pre-mRNA splicing, which may result in an abnormal transcript and altered protein product. This variant is expected to result in nonsense mediated decay, truncation, or a dysfunctional protein product. This variant is rare in the general population with a frequency below the threshold expected for the associated phenotype(s). Given the available evidence, this variant is classified as Likely Pathogenic.

Counsyl
Classification: Likely pathogenic for Tyrosinemia type I. Last evaluated: 2017-05-25. Review status: no assertion criteria provided. Collection method: clinical testing. Allele origin: unknown. Not counted in ClinVar's aggregate classification.

Baylor Genetics
Classification: Likely pathogenic for Tyrosinemia type I. Review status: no assertion criteria provided. Collection method: clinical testing. Allele origin: unknown. Not counted in ClinVar's aggregate classification.

Literature cited by the submitters: PubMed 16199547 (cited by Labcorp Genetics (formerly Invitae), Labcorp); PubMed 9101289 (cited by Labcorp Genetics (formerly Invitae), Labcorp); PubMed 9633815 (cited by Labcorp Genetics (formerly Invitae), Labcorp); PubMed 32778825 (cited by Labcorp Genetics (formerly Invitae), Labcorp).

NM_000137.4(FAH):c.553+2_553+3del

Gene: FAH (fumarylacetoacetate hydrolase; plus strand). Cytogenetic location: 15q25.1.
Variant type: Microsatellite.
Coding change: c.553+2_553+3del on transcript NM_000137.4 (MANE Select); the canonical splice donor site of the intron after coding-DNA position 553 through 3 bases into the intron after coding-DNA position 553, 2 bases deleted (TG; older notation c.553+2_553+3delTG).
Molecular consequence: splice donor variant.
Genome position (GRCh38, 1-based): chr15:80,168,151-80,168,152, TG deleted; deleting any 2 consecutive bases within chr15:80,168,149-80,168,152 gives the same sequence; the c. name uses the placement nearest the transcript's 3' end. VCF-style (leftmost placement, unchanged base first): chr15-80168148-CTG-C. GRCh37 (hg19) VCF-style: chr15-80460490-CTG-C.
Other names: c.553+2_553+3del (NM_001374377.1, NM_001374380.1); c.553+2_553+3delTG (NM_000137.2).
Identifiers: ClinVar variation 552185 (VCV000552185.6), dbSNP rs1555441272, ClinGen allele CA658824958.